The following is an entry in ClinVar:

NC_012920.1(MT-ND1):m.3308T>C

Gene: MT-ND1 (mitochondrially encoded NADH dehydrogenase 1; plus strand).
Variant type: single nucleotide variant.
Genome position: chrM-3308-T-C.
Other names: MTND1, 3308T-C, MET1THR; M1T.
Identifiers: ClinVar variation 9728 (VCV000009728.4), dbSNP rs28358582, ClinGen allele CA340945.

ClinVar aggregate classification (germline): Benign/Likely benign. Review status: criteria provided, multiple submitters, no conflicts (2 of 4 stars). 5 submissions from 4 submitters: Benign (2); Likely benign (1). 2 of the submissions do not count toward it. Last evaluated 2020-02-04.

Conditions:
Leigh syndrome (NULS). Also called: Leigh Disease; Leigh's necrotizing encephalopathy; Leigh's disease; Leigh Syndrome (mtDNA deletion); LEIGH SYNDROME, NUCLEAR; Subacute necrotizing encephalopathy. Identifiers: Orphanet 506, MedGen C2931891, MONDO:0009723, OMIM 256000.
SUDDEN INFANT DEATH SYNDROME (SIDS). Also called: Sudden Infant Death. Identifiers: MedGen C0038644, MeSH D013398, OMIM 272120.
Carcinoma of colon (CRC). Also called: Colonic carcinoma; Colon carcinoma. Identifiers: MedGen C0699790, MONDO:0002032.

Submissions (5):

Athena Diagnostics
Classification: Benign. Last evaluated: 2020-02-04. Review status: criteria provided, single submitter. Criteria: Athena Diagnostics Criteria. Collection method: clinical testing. Allele origin: unknown.

Wong Mito Lab, Molecular and Human Genetics, Baylor College of Medicine
Classification: Benign for Leigh syndrome. Last evaluated: 2019-10-17. Review status: criteria provided, single submitter. Criteria: Modified ACMG Guidelines (Unpublished). Collection method: clinical testing. Allele origin: germline.
Comment: The NC_012920.1:m.3308T>C (YP_003024026.1:p.Met1Thr) variant in MTND1 gene is interpretated to be a Benign variant based on the modified ACMG guidelines (unpublished). This variant meets the following evidence codes: BS1, BS2

Genomic Diagnostic Laboratory, Division of Genomic Diagnostics, Children's Hospital of Philadelphia
Classification: Likely benign. Last evaluated: 2015-10-31. Review status: criteria provided, single submitter. Criteria: DGD Variant Analysis Guidelines. Collection method: clinical testing. Allele origin: unknown.

OMIM
Classification: Pathogenic for COLORECTAL CANCER. Last evaluated: 1999-11-01. Review status: no assertion criteria provided. Collection method: literature only. Allele origin: unknown. Not counted in ClinVar's aggregate classification.

OMIM
Classification: Pathogenic for SUDDEN INFANT DEATH SYNDROME. Last evaluated: 1999-11-01. Review status: no assertion criteria provided. Collection method: literature only. Allele origin: unknown. Not counted in ClinVar's aggregate classification.

Literature cited by the submitters: PubMed 15972314 (cited by Athena Diagnostics and Wong Mito Lab, Molecular and Human Genetics, Baylor College of Medicine); PubMed 10521313 (cited by Athena Diagnostics and OMIM); PubMed 10519336 (cited by Athena Diagnostics and OMIM); PubMed 9806551 (cited by Athena Diagnostics and OMIM); PubMed 9299504 (cited by Athena Diagnostics and Wong Mito Lab, Molecular and Human Genetics, Baylor College of Medicine); PubMed 24146900 (cited by Athena Diagnostics); PubMed 13298683 (cited by OMIM).